The following is an entry in ClinVar:

NM_003803.4(MYOM1):c.4007A>T (p.Asp1336Val)

Gene: MYOM1 (myomesin 1; minus strand). Cytogenetic location: 18p11.31.
Variant type: single nucleotide variant.
Coding change: c.4007A>T on transcript NM_003803.4 (MANE Select); coding-DNA position 4007, A replaced by T.
Protein change: p.Asp1336Val; replaces aspartic acid 1336 with valine.
Molecular consequence: missense variant.
Genome position (GRCh38, 1-based): chr18:3,090,660, T>A on the plus strand (A>T on the coding strand, the complement: MYOM1 is on the minus strand). VCF-style: chr18-3090660-T-A. GRCh37 (hg19) VCF-style: chr18-3090658-T-A.
Other names: c.3719A>T, p.Asp1240Val (NM_019856.2); short protein forms D1336V, D1240V.
Identifiers: ClinVar variation 220732 (VCV000220732.14), dbSNP rs575609095, ClinGen allele CA350018.

ClinVar aggregate classification (germline): Uncertain significance. Review status: criteria provided, multiple submitters, no conflicts (2 of 4 stars). 3 submissions from 3 submitters: Uncertain significance (3). Last evaluated 2023-08-30.

Conditions:
Hypertrophic cardiomyopathy. Also called: HYPERTROPHIC MYOCARDIOPATHY. Identifiers: Orphanet 217569, MedGen C0007194, MeSH D002312, MONDO:0005045, HP:0001639.

Allele frequency attached by ClinVar (database versions not stated): TOPMed 0.00001; 1000 Genomes Project 30x 0.00031; gnomAD 0.00001; gnomAD exomes 0.00002; 1000 Genomes Project 0.00020.
gnomAD v4.1: 9 of 1,613,958 alleles (0.00056%); highest among the groups gnomAD compares: East Asian, 0.018%; no homozygotes.

Submissions (3):

Labcorp Genetics (formerly Invitae), Labcorp
Classification: Uncertain significance for Hypertrophic cardiomyopathy. Last evaluated: 2023-08-30. Review status: criteria provided, single submitter. Criteria: Invitae Variant Classification Sherloc (09022015). Collection method: clinical testing. Allele origin: germline.
Comment: This variant is present in population databases (rs575609095, gnomAD 0.03%). In summary, the available evidence is currently insufficient to determine the role of this variant in disease. Therefore, it has been classified as a Variant of Uncertain Significance. An algorithm developed to predict the effect of missense changes on protein structure and function (PolyPhen-2) suggests that this variant is likely to be disruptive. ClinVar contains an entry for this variant (Variation ID: 220732). This variant has not been reported in the literature in individuals affected with MYOM1-related conditions. This sequence change replaces aspartic acid, which is acidic and polar, with valine, which is neutral and non-polar, at codon 1336 of the MYOM1 protein (p.Asp1336Val).

Ambry Genetics
Classification: Uncertain significance. Last evaluated: 2023-03-20. Review status: criteria provided, single submitter. Criteria: Ambry Variant Classification Scheme 2023. Collection method: clinical testing. Allele origin: germline.
Comment: The p.D1336V variant (also known as c.4007A>T), located in coding exon 26 of the MYOM1 gene, results from an A to T substitution at nucleotide position 4007. The aspartic acid at codon 1336 is replaced by valine, an amino acid with highly dissimilar properties. This amino acid position is conserved. In addition, this alteration is predicted to be deleterious by in silico analysis. Since supporting evidence is limited at this time, the clinical significance of this alteration remains unclear.

Stanford Center for Inherited Cardiovascular Disease, Stanford University
Classification: Uncertain significance. Last evaluated: 2016-02-17. Review status: criteria provided, single submitter. Criteria: ACMG Guidelines, 2015. Collection method: provider interpretation. Allele origin: germline.